The following is an entry in ClinVar:

ClinVar aggregate classification (germline): Conflicting classifications of pathogenicity. Review status: criteria provided, conflicting classifications (1 of 4 stars). 7 submissions from 7 submitters: Pathogenic (2); Likely pathogenic (2); Uncertain significance (2). 1 of the submissions does not count toward it. Last evaluated 2026-06-18.

Conditions:
F7-related disorder. Also called: F7-related condition.
Congenital factor VII deficiency. Identifiers: Orphanet 327, MedGen C0272320, MONDO:0009211, OMIM 227500.
Factor VII deficiency. Also called: Factor 7 deficiency; F7 DEFICIENCY; HYPOPROCONVERTINEMIA. Identifiers: MedGen C0015503, MeSH D005168, MONDO:0002244.
Myocardial infarction, susceptibility to. Identifiers: MedGen C1832662, MONDO:0012039, OMIM 608446.

Submissions (7):

GeneDx
Classification: Uncertain significance. Last evaluated: 2026-06-18. Review status: criteria provided, single submitter. Criteria: GeneDx Variant Classification Process June 2021. Collection method: clinical testing. Allele origin: germline.
Comment: Observed in the heterozygous state in patients with mild F7 deficiency and at least one individual was clinically asymptomatic (PMID: 9716592, 26852649, 38158197); Published functional studies demonstrate that this variant causes aberrant splicing with an in-frame insertion resulting in a protein with damaged function (PMID: 9716592); In silico analysis supports a deleterious effect on splicing; This variant is associated with the following publications: (PMID: 18976247, 26852649, 38158197, 38202056, 9716592, 37647632)

Women's Health and Genetics/Laboratory Corporation of America, LabCorp
Classification: Pathogenic for Congenital factor VII deficiency. Last evaluated: 2025-04-09. Review status: criteria provided, single submitter. Criteria: LabCorp Variant Classification Summary - May 2015. Collection method: clinical testing. Allele origin: germline.
Comment: Variant summary: F7 c.805+3_805+6delGGGT alters a nucleotide located close to a canonical splice site and therefore could affect mRNA splicing, leading to a significantly altered protein sequence. Several computational tools predict a significant impact on normal splicing: Two predict the variant abolishes a canonical 5' splicing donor site and two predict the variant weakens this site. At least one publication reports experimental evidence that this variant affects mRNA splicing (Pinotti_1998). The variant allele was found at a frequency of 0.00021 in 250716 control chromosomes (gnomAD). This frequency is not significantly higher than estimated for a pathogenic variant in F7 causing Congenital factor VII deficiency, allowing no conclusion about variant significance. c.805+3_805+6delGGGT has been reported in the literature in multiple heterozygous individuals affected with Congenital factor VII deficiency, and some were reported with intermediate FVII activity and antigen levels (e.g., Pinotti_1998, Preisler_2024). These data indicate that the variant is very likely to be associated with disease. The following publications have been ascertained in the context of this evaluation (PMID: 9716592, 38397060). ClinVar contains an entry for this variant (Variation ID: 632209). Based on the evidence outlined above, the variant was classified as pathogenic.

Mayo Clinic Laboratories, Mayo Clinic
Classification: Pathogenic. Last evaluated: 2025-04-08. Review status: criteria provided, single submitter. Criteria: ACMG Guidelines, 2015. Collection method: clinical testing. Allele origin: germline. Observed: 6 variant alleles.
Comment: PP1, PP3, PM1, PS3, PS4

Fulgent Genetics
Classification: Likely pathogenic for Congenital factor VII deficiency; Myocardial infarction, susceptibility to. Last evaluated: 2024-04-10. Review status: criteria provided, single submitter. Criteria: ACMG Guidelines, 2015. Collection method: clinical testing. Allele origin: germline.

Illumina Laboratory Services, Illumina
Classification: Likely pathogenic for Congenital factor VII deficiency. Last evaluated: 2017-04-28. Review status: criteria provided, single submitter. Criteria: ICSL Variant Classification Criteria 09 May 2019. Collection method: clinical testing. Allele origin: germline.
Comment: The F7 c.805+3_805+6delGGGT variant has been reported in at least two studies in which it is found in a heterozygous state in two individuals with factor VII deficiency, including one who was mildly affected and one who was asymptomatic (Pinotti et al. 1998; Cramer et al. 2016). Characterization of FVII activity levels revealed activities of 44% and 61% of wild type, respectively, for the two individuals, consistent with mild factor VII deficiency. The c805+3_805+6delGGGT variant was absent from 100 controls and is reported at a frequency of 0.00035 in the Latino population of the Exome Aggregation Consortium. Pinotti et al. (1998) demonstrated abnormal splicing by RT-PCR of mRNA derived from patient cells as well as transfected BHK cells, indicating the in-frame insertion of 11 codons in the mutant mRNA. Based on the available evidence, the c.805+3_805+6delGGGT variant is classified as a variant of unknown significance but suspicious for pathogenicity for factor VII deficiency. This variant was observed by ICSL as part of a predisposition screen in an ostensibly healthy population.

ISTH-SSC Genomics in Thrombosis and Hemostasis, KU Leuven, Center for Molecular and Vascular Biology
Classification: Uncertain significance for Congenital factor VII deficiency. Review status: criteria provided, single submitter. Criteria: ACMG Guidelines, 2015. Collection method: clinical testing. Allele origin: germline. Affected: yes. Observed: 1 heterozygote.
Comment: Submitted to GoldVariant by Kathleen Freson, Center for Molecular and Vascular Biology, Leuven, Belgium

PreventionGenetics, part of Exact Sciences
Classification: Pathogenic for F7-related condition. Last evaluated: 2024-05-31. Review status: no assertion criteria provided. Collection method: clinical testing. Allele origin: germline. Not counted in ClinVar's aggregate classification.
Comment: The F7 c.805+3_805+6delGGGT variant is predicted to result in a deletion affecting a canonical splice site. This variant has been reported in individuals with Factor VII deficiency (Pinotti et al. 1998. PubMed ID: 9716592; Cramer et al. 2015. PubMed ID: 26852649). Functional analysis showed that this variant results in a abnormally spliced transcript, the activity of which was not detectable in cell studies (Pinotti et al. 1998. PubMed ID: 9716592). This variant is reported in 0.10% of alleles in individuals of Latino descent in gnomAD. This variant is interpreted as pathogenic.

Literature cited by the submitters: PubMed 38397060 (cited by Women's Health and Genetics/Laboratory Corporation of America, LabCorp and Mayo Clinic Laboratories, Mayo Clinic); PubMed 9716592 (cited by 3 submitters); PubMed 10862079 (cited by Mayo Clinic Laboratories, Mayo Clinic); PubMed 11129332 (cited by Mayo Clinic Laboratories, Mayo Clinic); PubMed 26852649 (cited by Mayo Clinic Laboratories, Mayo Clinic and Illumina Laboratory Services, Illumina); PubMed 32333443 (cited by Mayo Clinic Laboratories, Mayo Clinic); PubMed 38158197 (cited by Mayo Clinic Laboratories, Mayo Clinic); PubMed 38202056 (cited by Mayo Clinic Laboratories, Mayo Clinic).

NM_019616.4(F7):c.739+3_739+6del

Gene: F7 (coagulation factor VII; plus strand). Cytogenetic location: 13q34.
Variant type: Microsatellite.
Coding change: c.739+3_739+6del on transcript NM_019616.4 (MANE Select); bases 3 to 6 of the intron after coding-DNA position 739, 4 bases deleted (GGGT; older notation c.739+3_739+6delGGGT).
Molecular consequence: splice donor variant.
Genome position (GRCh38, 1-based): chr13:113,117,599-113,117,602, GGGT deleted; deleting any 4 consecutive bases within chr13:113,117,594-113,117,602 gives the same sequence; the c. name uses the placement nearest the transcript's 3' end. VCF-style (leftmost placement, unchanged base first): chr13-113117593-CTGGG-C. GRCh37 (hg19) VCF-style: chr13-113771907-CTGGG-C.
Other names: p.?; c.803_805+1delTGGG (NM_000131.4); c.805+3_805+6del (NM_000131.4, NM_000131.5); c.553+3_553+6del (NM_001267554.2); c.805+3_805+6delGGGT (NM_000131.4).
Identifiers: ClinVar variation 632209 (VCV000632209.32), dbSNP rs754785708, ClinGen allele CA7060087.